The following is an entry in ClinVar:

ClinVar aggregate classification (germline): Uncertain significance (1 of 4 stars; one submission).

Conditions:
Epileptic encephalopathy. Identifiers: MedGen C0543888, HP:0200134.

gnomAD v4.1: 1 of 1,613,526 alleles (0.000062%); highest among the groups gnomAD compares: Non-Finnish European, 0.000085%; no homozygotes.

Submission:

Labcorp Genetics (formerly Invitae), Labcorp
Classification: Uncertain significance for Epileptic encephalopathy. Last evaluated: 2024-10-25. Review status: criteria provided, single submitter. Criteria: Invitae Variant Classification Sherloc (09022015). Collection method: clinical testing. Allele origin: germline.
Comment: This sequence change replaces lysine, which is basic and polar, with asparagine, which is neutral and polar, at codon 2814 of the RYR3 protein (p.Lys2814Asn). This variant is not present in population databases (gnomAD no frequency). This variant has not been reported in the literature in individuals affected with RYR3-related conditions. ClinVar contains an entry for this variant (Variation ID: 843754). Invitae Evidence Modeling of protein sequence and biophysical properties (such as structural, functional, and spatial information, amino acid conservation, physicochemical variation, residue mobility, and thermodynamic stability) indicates that this missense variant is not expected to disrupt RYR3 protein function with a negative predictive value of 80%. In summary, the available evidence is currently insufficient to determine the role of this variant in disease. Therefore, it has been classified as a Variant of Uncertain Significance.

NM_001036.6(RYR3):c.8442G>T (p.Lys2814Asn)

Gene: RYR3 (ryanodine receptor 3; plus strand). Cytogenetic location: 15q14.
Variant type: single nucleotide variant.
Coding change: c.8442G>T on transcript NM_001036.6 (MANE Select); coding-DNA position 8442, G replaced by T.
Protein change: p.Lys2814Asn; replaces lysine 2814 with asparagine.
Molecular consequence: missense variant.
Genome position (GRCh38, 1-based): chr15:33,755,107, G>T. VCF-style: chr15-33755107-G-T. GRCh37 (hg19) VCF-style: chr15-34047308-G-T.
Other names: c.8442G>T, p.Lys2814Asn (NM_001243996.4); short protein forms K2814N.
Identifiers: ClinVar variation 843754 (VCV000843754.9), dbSNP rs2071683490, ClinGen allele CA391585185.
Genomic context (GRCh38, chr15:33,755,107, plus strand): 5'-TGTCCATGTCCAACGTAGGGGTATGAAGGATATGGAGCTGGATGCCTCCTCCATGGAGAA[G>T]AGGTTTGCCTATAAGTTCTTGAAGAAGATCCTGAAATACGTTGATTCTGCTCAAGAATTT-3'
Protein context (NP_001027.3, residues 2804-2824): DMELDASSME[Lys2814Asn]RFAYKFLKKI